The following is an entry in ClinVar:

ClinVar aggregate classification (germline): Pathogenic (1 of 4 stars; one submission).

Submission:

GeneDx
Classification: Pathogenic. Last evaluated: 2018-07-06. Review status: criteria provided, single submitter. Criteria: GeneDx Variant Classification (06012015). Collection method: clinical testing. Allele origin: germline. Affected: yes.
Comment: The c.891_892delGAinsAT variant in the ZEB2 gene has not been reported previously as a pathogenic variant nor as a benign variant, to our knowledge. The c.891_892delGAinsAT variant causes an inframe deletion/insertion event, and creates a premature Stop codon at position Lysine 298, denoted p.Lys298Ter. This variant is predicted to cause loss of normal protein function either through protein truncation or nonsense-mediated mRNA decay. The c.891_892delGAinsAT variant is not observed in large population cohorts (Lek et al., 2016). We interpret c.891_892delGAinsAT as a pathogenic variant.

NM_014795.4(ZEB2):c.891_892delinsAT (p.Lys298Ter)

Gene: ZEB2 (zinc finger E-box binding homeobox 2; minus strand). Cytogenetic location: 2q22.3.
Variant type: Indel.
Coding change: c.891_892delinsAT on transcript NM_014795.4 (MANE Select); coding-DNA positions 891 to 892, GA replaced by AT.
Protein change: p.Lys298Ter; replaces lysine 298 with a stop codon.
Molecular consequence: nonsense.
Genome position (GRCh38, 1-based): chr2:144,401,223-144,401,224, TC replaced by AT on the plus strand (GA replaced by AT on the coding strand, the reverse complement: ZEB2 is on the minus strand). VCF-style: chr2-144401223-TC-AT. GRCh37 (hg19) VCF-style: chr2-145158790-TC-AT.
Other names: c.819_820delinsAT, p.Lys274Ter (NM_001171653.2); short protein forms K298*, K274*.
Identifiers: ClinVar variation 817562 (VCV000817562.1), dbSNP rs1573718600, ClinGen allele CA915942799.